The following is an entry in ClinVar:

ClinVar aggregate classification (germline): Uncertain significance (1 of 4 stars; one submission).

Allele frequency attached by ClinVar (database versions not stated): TOPMed 0.00003; gnomAD exomes 0.00006.
gnomAD v4.1: 83 of 1,546,074 alleles (0.0054%); highest among the groups gnomAD compares: South Asian, 0.0095%; no homozygotes.

Submission:

GeneDx
Classification: Uncertain significance. Last evaluated: 2022-09-13. Review status: criteria provided, single submitter. Criteria: GeneDx Variant Classification Process June 2021. Collection method: clinical testing. Allele origin: germline. Affected: yes.
Comment: In silico analysis supports a deleterious effect on splicing; Has not been previously published as pathogenic or benign to our knowledge

NM_001384474.1(LOXHD1):c.6342G>C (p.Val2114=)

Gene: LOXHD1 (lipoxygenase homology PLAT domains 1; minus strand). Cytogenetic location: 18q21.1.
Variant type: single nucleotide variant.
Coding change: c.6342G>C on transcript NM_001384474.1 (MANE Select); coding-DNA position 6342, G replaced by C.
Protein change: p.Val2114=; no amino-acid change (valine 2114 retained).
Molecular consequence: synonymous variant.
Genome position (GRCh38, 1-based): chr18:46,477,952, C>G on the plus strand (G>C on the coding strand, the complement: LOXHD1 is on the minus strand). VCF-style: chr18-46477952-C-G. GRCh37 (hg19) VCF-style: chr18-44057915-C-G.
Other names: c.3009G>C, p.Val1003= (NM_001145472.3); c.1059G>C, p.Val353= (NM_001145473.3, NM_001173129.2); c.2721G>C, p.Val907= (NM_001308013.2); c.6156G>C, p.Val2052= (NM_144612.7).
Identifiers: ClinVar variation 2443474 (VCV002443474.1), dbSNP rs990713297, ClinGen allele CA299792561.